The following is an entry in ClinVar:

ClinVar aggregate classification (germline): Pathogenic. Review status: criteria provided, multiple submitters, no conflicts (2 of 4 stars). 3 submissions from 3 submitters: Pathogenic (3). Last evaluated 2025-12-29.

Conditions:
COL5A1-related disorders.
Ehlers-Danlos syndrome, classic type, 1 (EDSCL1). Also called: Ehlers-Danlos syndrome, type 1; Ehlers-Danlos Syndrome, Classic Type, COL5A1-Related; EDS I; EHLERS-DANLOS SYNDROME, GRAVIS TYPE; EHLERS-DANLOS SYNDROME, SEVERE CLASSIC TYPE. Identifiers: MedGen C0268335, MONDO:0019567, OMIM 130000.

Submissions (3):

GeneDx
Classification: Pathogenic. Last evaluated: 2025-12-29. Review status: criteria provided, single submitter. Criteria: GeneDx Variant Classification Process June 2021. Collection method: clinical testing. Allele origin: germline. Affected: yes.
Comment: Not observed at significant frequency in large population cohorts (gnomAD); Frameshift variant predicted to result in protein truncation or nonsense mediated decay in a gene for which loss of function is a known mechanism of disease; This variant is associated with the following publications: (PMID: 22696272, 23587214)

Labcorp Genetics (formerly Invitae), Labcorp
Classification: Pathogenic for Ehlers-Danlos syndrome, classic type, 1. Last evaluated: 2025-05-21. Review status: criteria provided, single submitter. Criteria: Invitae Variant Classification Sherloc (09022015). Collection method: clinical testing. Allele origin: germline.
Comment: This sequence change creates a premature translational stop signal (p.Gly997Argfs*17) in the COL5A1 gene. It is expected to result in an absent or disrupted protein product. Loss-of-function variants in COL5A1 are known to be pathogenic (PMID: 23587214). The frequency data for this variant in the population databases is considered unreliable, as metrics indicate poor data quality at this position in the gnomAD database. This premature translational stop signal has been observed in individuals with Ehlers–Danlos syndrome (PMID: 22696272, 23587214). ClinVar contains an entry for this variant (Variation ID: 459667). For these reasons, this variant has been classified as Pathogenic.

Blueprint Genetics
Classification: Pathogenic for COL5A1-related disorders. Last evaluated: 2024-10-10. Review status: criteria provided, single submitter. Criteria: ACMG Guidelines, 2015. Collection method: clinical testing. Allele origin: germline. Affected: yes. Observed: 3 variant alleles.

Literature cited by the submitters: PubMed 23587214 (cited by Labcorp Genetics (formerly Invitae), Labcorp); PubMed 22696272 (cited by Labcorp Genetics (formerly Invitae), Labcorp).

NM_000093.5(COL5A1):c.2988dup (p.Gly997fs)

Gene: COL5A1 (collagen type V alpha 1 chain; plus strand). Cytogenetic location: 9q34.3.
Variant type: Duplication.
Coding change: c.2988dup on transcript NM_000093.5 (MANE Select); coding-DNA position 2988, one base duplicated (C; older notation c.2988dupC).
Protein change: p.Gly997fs; shifts the reading frame from glycine 997.
Molecular consequence: frameshift variant.
Genome position (GRCh38, 1-based): chr9:134,801,989, C duplicated; the last of 7 consecutive C bases (chr9:134,801,983-134,801,989); duplicating any one gives the same sequence. VCF-style (leftmost placement, unchanged base first): chr9-134801982-G-GC. GRCh37 (hg19) VCF-style: chr9-137693828-G-GC.
Other names: c.2988dup (NM_000093.3); c.2988dupC (NM_000093.4); c.2988dup, p.Gly997fs (NM_001278074.1); short protein forms G997fs.
Identifiers: ClinVar variation 459667 (VCV000459667.20), dbSNP rs764693725, ClinGen allele CA5319702.